The following is an entry in ClinVar:

ClinVar aggregate classification (germline): Uncertain significance (1 of 4 stars; one submission).

gnomAD v4.1: 7 of 152,120 alleles (0.0046%); highest among the groups gnomAD compares: East Asian, 0.14%; no homozygotes.

Submission:

Women's Health and Genetics/Laboratory Corporation of America, LabCorp
Classification: Uncertain significance. Last evaluated: 2025-04-09. Review status: criteria provided, single submitter. Criteria: LabCorp Variant Classification Summary - May 2015. Collection method: clinical testing. Allele origin: germline.
Comment: Variant summary: SKIC3 c.-158+1G>T is located in a canonical splice-site and is predicted to affect mRNA splicing resulting in a significantly altered protein due to either exon skipping, shortening, or inclusion of intronic material. Variants that disrupt the consensus splice site are a relatively common cause of aberrant splicing and loss of SKIC3 function. Several computational tools predict a significant impact on normal splicing: Four predict the variant abolishes a 5' splicing donor site. However, these predictions have yet to be confirmed by functional studies. This variant occurs upstream of the start codon of this gene located in exon 4. The variant allele was found at a frequency of 4.6e-05 in 152120 control chromosomes. The available data on variant occurrences in the general population are insufficient to allow any conclusion about variant significance. To our knowledge, no occurrence of c.-158+1G>T in individuals affected with Trichohepatoenteric Syndrome and no experimental evidence demonstrating its impact on protein function have been reported. No submitters have cited clinical-significance assessments for this variant to ClinVar. Based on the evidence outlined above, the variant was classified as uncertain significance.

NM_014639.4(SKIC3):c.-158+1G>T

Gene: SKIC3 (SKI3 subunit of superkiller complex; minus strand). Cytogenetic location: 5q15.
Variant type: single nucleotide variant.
Coding change: c.-158+1G>T on transcript NM_014639.4 (MANE Select); the canonical splice donor site of the intron after 158 bases upstream of the start codon, G replaced by T.
Molecular consequence: splice donor variant.
Genome position (GRCh38, 1-based): chr5:95,550,580, C>A on the plus strand (G>T on the coding strand, the complement: SKIC3 is on the minus strand). VCF-style: chr5-95550580-C-A. GRCh37 (hg19) VCF-style: chr5-94886284-C-A.
Identifiers: ClinVar variation 3896371 (VCV003896371.2).
Genomic context (GRCh38, chr5:95,550,580, plus strand): 5'-TAAAAACAATCATTAAGTAAAAATAGATTCCAATTTATTATTTAGCATTGTAGACACTTA[C>A]CTTTTACCAATTATTACCACCTCTATATTCTTCCCGAATTGAATTTGATTGTTCCTTACC-3'